The following is an entry in ClinVar:

NM_024598.4(USB1):c.771C>G (p.Asn257Lys)

Gene: USB1 (U6 snRNA biogenesis phosphodiesterase 1; plus strand). Cytogenetic location: 16q21.
Variant type: single nucleotide variant.
Coding change: c.771C>G on transcript NM_024598.4 (MANE Select); coding-DNA position 771, C replaced by G.
Protein change: p.Asn257Lys; replaces asparagine 257 with lysine.
Molecular consequence: missense variant.
Genome position (GRCh38, 1-based): chr16:58,020,218, C>G. VCF-style: chr16-58020218-C-G. GRCh37 (hg19) VCF-style: chr16-58054122-C-G.
Other names: c.771C>G (NM_024598.3); c.717C>G, p.Asn239Lys (NM_001195302.2); c.618C>G, p.Asn206Lys (NM_001330568.2); short protein forms N206K, N239K, N257K.
Identifiers: ClinVar variation 1501163 (VCV001501163.8), dbSNP rs149041481, ClinGen allele CA8085052.

ClinVar aggregate classification (germline): Uncertain significance. Review status: criteria provided, multiple submitters, no conflicts (2 of 4 stars). 3 submissions from 3 submitters: Uncertain significance (3). Last evaluated 2025-11-22.

Conditions:
Inborn genetic diseases. Identifiers: MedGen C0950123, MeSH D030342.

Allele frequency attached by ClinVar (database versions not stated): gnomAD 0.00006; TOPMed 0.00008; ExAC 0.00009; ESP Exome Variant Server 0.00015; 1000 Genomes Project 0.00040; 1000 Genomes Project 30x 0.00047.
gnomAD v4.1: 174 of 1,614,186 alleles (0.011%); highest among the groups gnomAD compares: Non-Finnish European, 0.013%; no homozygotes.

Submissions (3):

Labcorp Genetics (formerly Invitae), Labcorp
Classification: Uncertain significance. Last evaluated: 2025-11-22. Review status: criteria provided, single submitter. Criteria: Invitae Variant Classification Sherloc (09022015). Collection method: clinical testing. Allele origin: germline.
Comment: This sequence change replaces asparagine, which is neutral and polar, with lysine, which is basic and polar, at codon 257 of the USB1 protein (p.Asn257Lys). This variant is present in population databases (rs149041481, gnomAD 0.01%). This variant has not been reported in the literature in individuals affected with USB1-related conditions. ClinVar contains an entry for this variant (Variation ID: 1501163). Invitae Evidence Modeling of protein sequence and biophysical properties (such as structural, functional, and spatial information, amino acid conservation, physicochemical variation, residue mobility, and thermodynamic stability) indicates that this missense variant is not expected to disrupt USB1 protein function with a negative predictive value of 80%. In summary, the available evidence is currently insufficient to determine the role of this variant in disease. Therefore, it has been classified as a Variant of Uncertain Significance.

Ambry Genetics
Classification: Uncertain significance for Inborn genetic diseases. Last evaluated: 2024-12-25. Review status: criteria provided, single submitter. Criteria: Ambry Variant Classification Scheme 2023. Collection method: clinical testing. Allele origin: germline.

Breakthrough Genomics
Classification: Uncertain significance. Review status: criteria provided, single submitter. Criteria: ACMG Guidelines, 2015. Collection method: not provided. Allele origin: germline. Inheritance: Autosomal recessive inheritance. Affected: yes.